The following is an entry in ClinVar:

ClinVar aggregate classification (germline): Uncertain significance (1 of 4 stars; one submission).

Conditions:
Inborn genetic diseases. Identifiers: MedGen C0950123, MeSH D030342.

Submission:

Ambry Genetics
Classification: Uncertain significance for Inborn genetic diseases. Last evaluated: 2021-11-19. Review status: criteria provided, single submitter. Criteria: Ambry Variant Classification Scheme 2023. Collection method: clinical testing. Allele origin: germline.
Comment: The c.5028_5039dupGCAGCAGCCGCA (p.Q1681_Q1684dup) alteration is located in exon 17 (coding exon 16) of the KAT6A gene. The alteration consists of an in-frame duplication of 12 nucleotides from position 5028 to 5039, resulting in the duplication of <NA> residues. Based on insufficient or conflicting evidence, the clinical significance of this alteration remains unclear.

NM_006766.5(KAT6A):c.5028_5039dup (p.Gln1684_Pro1685insGlnGlnProGln)

Gene: KAT6A (lysine acetyltransferase 6A; minus strand). Cytogenetic location: 8p11.21.
Variant type: Duplication.
Coding change: c.5028_5039dup on transcript NM_006766.5 (MANE Select); coding-DNA positions 5028 to 5039, 12 bases duplicated (GCAGCAGCCGCA).
Protein change: p.Gln1684_Pro1685insGlnGlnProGln.
Molecular consequence: inframe insertion.
Genome position (GRCh38, 1-based): chr8:41,933,181-41,933,192, TGCGGCTGCTGC duplicated on the plus strand (GCAGCAGCCGCA on the coding strand, the reverse complement: KAT6A is on the minus strand); duplicating any 12 consecutive bases within chr8:41,933,181-41,933,194 gives the same sequence; the c. name uses the placement nearest the transcript's 3' end. VCF-style (leftmost placement, unchanged base first): chr8-41933180-T-TTGCGGCTGCTGC. GRCh37 (hg19) VCF-style: chr8-41790698-T-TTGCGGCTGCTGC.
Identifiers: ClinVar variation 2254682 (VCV002254682.2), dbSNP rs1356173240, ClinGen allele CA2580078464.